The following is an entry in ClinVar:

NM_000038.6(APC):c.1026C>A (p.Asp342Glu)

Gene: APC (APC regulator of Wnt signaling pathway; plus strand). Cytogenetic location: 5q22.2.
Variant type: single nucleotide variant.
Coding change: c.1026C>A on transcript NM_000038.6 (MANE Select); coding-DNA position 1026, C replaced by A.
Protein change: p.Asp342Glu; replaces aspartic acid 342 with glutamic acid.
Molecular consequence: missense variant. On other transcripts: intron variant (4).
Genome position (GRCh38, 1-based): chr5:112,819,058, C>A. VCF-style: chr5-112819058-C-A. GRCh37 (hg19) VCF-style: chr5-112154755-C-A.
Other names: c.1026C>A, p.Asp342Glu (NM_001127510.3, NM_001354895.2, NM_001354896.2); c.972C>A, p.Asp324Glu (NM_001127511.3); c.1056C>A, p.Asp352Glu (NM_001354897.2); c.951C>A, p.Asp317Glu (NM_001354898.2); c.942C>A, p.Asp314Glu (NM_001354899.2); c.849C>A, p.Asp283Glu (NM_001354900.2, NM_001354901.2); c.177C>A, p.Asp59Glu (NM_001354906.2); c.964-211C>A (NM_001354902.2); and 3 more; short protein forms D317E, D59E, D283E, D314E, D342E, D352E, D324E.
Identifiers: ClinVar variation 640920 (VCV000640920.10), dbSNP rs1168959523, ClinGen allele CA16023556.

ClinVar aggregate classification (germline): Uncertain significance (1 of 4 stars; one submission).

Conditions:
Familial adenomatous polyposis 1 (FAP1). Also called: POLYPOSIS, ADENOMATOUS INTESTINAL; FAMILIAL ADENOMATOUS POLYPOSIS 1, ATTENUATED. Identifiers: MedGen C2713442, MONDO:0021056, OMIM 175100. Disease mechanism: loss of function.

Allele frequency attached by ClinVar (database versions not stated): gnomAD exomes below 0.00001; gnomAD 0.00001.
gnomAD v4.1: 3 of 1,613,988 alleles (0.00019%); no homozygotes.

Submission:

Labcorp Genetics (formerly Invitae), Labcorp
Classification: Uncertain significance for Familial adenomatous polyposis 1. Last evaluated: 2018-08-25. Review status: criteria provided, single submitter. Criteria: Invitae Variant Classification Sherloc (09022015). Collection method: clinical testing. Allele origin: germline.
Comment: This variant has not been reported in the literature in individuals with APC-related disease. This variant is not present in population databases (ExAC no frequency). This sequence change replaces aspartic acid with glutamic acid at codon 342 of the APC protein (p.Asp342Glu). The aspartic acid residue is highly conserved and there is a small physicochemical difference between aspartic acid and glutamic acid. Algorithms developed to predict the effect of missense changes on protein structure and function are either unavailable or do not agree on the potential impact of this missense change (SIFT: "Deleterious"; PolyPhen-2: "Benign"; Align-GVGD: "Class C0"). In summary, the available evidence is currently insufficient to determine the role of this variant in disease. Therefore, it has been classified as a Variant of Uncertain Significance.